The following is an entry in ClinVar:

ClinVar aggregate classification (germline): Pathogenic/Likely pathogenic. Review status: criteria provided, multiple submitters, no conflicts (2 of 4 stars). 8 submissions from 8 submitters: Pathogenic (4); Likely pathogenic (3). 1 of the submissions does not count toward it. Last evaluated 2025-09-08.

Conditions:
Retinal disorder. Also called: Retinopathies; Retinal Diseases; Retinal disorders; Retinopathy. Identifiers: MedGen C0035309, MONDO:0005283, HP:0000488.
Retinitis pigmentosa 25 (RP25). Identifiers: Orphanet 791, MedGen C1864446, MONDO:0011272, OMIM 602772.
EYS-related disorder. Also called: EYS-related condition.

Submissions (8):

North West Genomic Laboratory Hub, Manchester University NHS Foundation Trust
Classification: Pathogenic for Retinal disorders. Last evaluated: 2025-09-08. Review status: criteria provided, single submitter. Criteria: ACGS Best Practice Guidelines for Variant Classification in Rare Disease 2024. Collection method: clinical testing. Allele origin: germline. Affected: yes.
Comment: PVS1_VStr PM3_Mod PM2_Mod

Natera, Inc.
Classification: Likely pathogenic for Retinitis pigmentosa type 25. Last evaluated: 2024-11-12. Review status: criteria provided, single submitter. Criteria: Natera Variant Classification Schema (03/2026). Collection method: clinical testing. Allele origin: germline.
Comment: The c.4393dupG variant in EYS is a frameshift variant predicted to shift the reading frame beginning at codon 1465 and leads to a stop codon 6 codons downstream. This variant is expected to result in nonsense mediated decay, truncation, or a dysfunctional protein product. This variant is rare in the general population with a frequency below the threshold expected for the associated phenotype(s). Given the available evidence, this variant is classified as Likely Pathogenic.

Labcorp Genetics (formerly Invitae), Labcorp
Classification: Pathogenic. Last evaluated: 2024-07-30. Review status: criteria provided, single submitter. Criteria: Invitae Variant Classification Sherloc (09022015). Collection method: clinical testing. Allele origin: germline.
Comment: This sequence change creates a premature translational stop signal (p.Ala1465Glyfs*6) in the EYS gene. It is expected to result in an absent or disrupted protein product. Loss-of-function variants in EYS are known to be pathogenic (PMID: 18836446, 20333770). This variant is present in population databases (rs750840208, gnomAD 0.01%). This variant has not been reported in the literature in individuals affected with EYS-related conditions. ClinVar contains an entry for this variant (Variation ID: 552610). For these reasons, this variant has been classified as Pathogenic.

Fulgent Genetics
Classification: Likely pathogenic for Retinitis pigmentosa 25. Last evaluated: 2024-04-11. Review status: criteria provided, single submitter. Criteria: ACMG Guidelines, 2015. Collection method: clinical testing. Allele origin: germline.

Baylor Genetics
Classification: Likely pathogenic for Retinitis pigmentosa 25. Last evaluated: 2023-10-24. Review status: criteria provided, single submitter. Criteria: ACMG Guidelines, 2015. Collection method: clinical testing. Allele origin: unknown.

Blueprint Genetics
Classification: Pathogenic for EYS-related disorders. Last evaluated: 2021-10-27. Review status: criteria provided, single submitter. Criteria: ACMG Guidelines, 2015. Collection method: clinical testing. Allele origin: germline. Affected: yes. Observed: 5 variant alleles.

Ocular Genomics Institute, Massachusetts Eye and Ear
Classification: Pathogenic for Retinitis pigmentosa 25. Last evaluated: 2021-04-08. Review status: criteria provided, single submitter. Criteria: ACMG Guidelines, 2015. Collection method: research. Allele origin: germline. Affected: yes.
Comment: Through a review of available evidence we were able to apply the following criteria: PVS1, PM2, PP1. Based on this evidence we have classified this variant as Pathogenic.

Counsyl
Classification: Likely pathogenic for Retinitis pigmentosa 25. Last evaluated: 2017-06-22. Review status: no assertion criteria provided. Collection method: clinical testing. Allele origin: unknown. Not counted in ClinVar's aggregate classification.

Literature cited by the submitters: PubMed 18836446 (cited by Labcorp Genetics (formerly Invitae), Labcorp); PubMed 20333770 (cited by Labcorp Genetics (formerly Invitae), Labcorp).

NM_001142800.2(EYS):c.4393dup (p.Ala1465fs)

Gene: EYS (EGF-like photoreceptor maintenance factor; minus strand). Cytogenetic location: 6q12.
Variant type: Duplication.
Coding change: c.4393dup on transcript NM_001142800.2 (MANE Select); coding-DNA position 4393, one base duplicated (G; older notation c.4393dupG).
Protein change: p.Ala1465fs; shifts the reading frame from alanine 1465.
Molecular consequence: frameshift variant.
Genome position (GRCh38, 1-based): chr6:64,591,474, C duplicated on the plus strand (G on the coding strand, the reverse complement: EYS is on the minus strand); the first of 6 consecutive C bases (chr6:64,591,474-64,591,479); duplicating any one gives the same sequence. VCF-style (leftmost placement, unchanged base first): chr6-64591473-G-GC. GRCh37 (hg19) VCF-style: chr6-65301366-G-GC.
Other names: c.4393dupG (NM_001142800.1); c.4393dup, p.Ala1465fs (NM_001292009.2); short protein forms A1465fs.
Identifiers: ClinVar variation 552610 (VCV000552610.15), dbSNP rs750840208, ClinGen allele CA3877084.
Genomic context (GRCh38, chr6:64,591,473, plus strand): 5'-CTCCAGTGCTCTCTTCTTGAAATTAAAGAATCAGCTGAATATTCTTCAATATCCTCTTGA[G>GC]CCCCCCTAGAGACAACTGGAGTTGCACTTATGGAGGCAGCTATAAGCAGGAATCCACGGG-3'